The following is an entry in ClinVar:

ClinVar aggregate classification (germline): Uncertain significance (1 of 4 stars; one submission).

Conditions:
Fanconi-Bickel syndrome (FBS). Also called: FANCONI SYNDROME WITH INTESTINAL MALABSORPTION AND GALACTOSE INTOLERANCE; Glycogen storage disease due to GLUT2 deficiency; HEPATIC GLYCOGENOSIS WITH AMINO ACIDURIA AND GLUCOSURIA; HEPATIC GLYCOGENOSIS WITH FANCONI NEPHROPATHY; HEPATORENAL GLYCOGENOSIS WITH RENAL FANCONI SYNDROME; PSEUDO-PHLORIZIN DIABETES. Identifiers: Orphanet 2088, MedGen C3495427, MONDO:0009216, OMIM 227810.

Allele frequency attached by ClinVar (database versions not stated): gnomAD exomes below 0.00001.
gnomAD v4.1: 3 of 1,613,398 alleles (0.00019%); highest among the groups gnomAD compares: Non-Finnish European, 0.00025%; no homozygotes.

Submission:

Labcorp Genetics (formerly Invitae), Labcorp
Classification: Uncertain significance for Fanconi-Bickel syndrome. Last evaluated: 2022-02-05. Review status: criteria provided, single submitter. Criteria: Invitae Variant Classification Sherloc (09022015). Collection method: clinical testing. Allele origin: germline.
Comment: This variant is not present in population databases (gnomAD no frequency). In summary, the available evidence is currently insufficient to determine the role of this variant in disease. Therefore, it has been classified as a Variant of Uncertain Significance. Advanced modeling of protein sequence and biophysical properties (such as structural, functional, and spatial information, amino acid conservation, physicochemical variation, residue mobility, and thermodynamic stability) performed at Invitae indicates that this missense variant is not expected to disrupt SLC2A2 protein function. This variant has not been reported in the literature in individuals affected with SLC2A2-related conditions. This sequence change replaces phenylalanine, which is neutral and non-polar, with leucine, which is neutral and non-polar, at codon 517 of the SLC2A2 protein (p.Phe517Leu).

NM_000340.2(SLC2A2):c.1549T>C (p.Phe517Leu)

Gene: SLC2A2 (solute carrier family 2 member 2; minus strand). Cytogenetic location: 3q26.2.
Variant type: single nucleotide variant.
Coding change: c.1549T>C on transcript NM_000340.2 (MANE Select); coding-DNA position 1549, T replaced by C.
Protein change: p.Phe517Leu; replaces phenylalanine 517 with leucine.
Molecular consequence: missense variant.
Genome position (GRCh38, 1-based): chr3:170,997,929, A>G on the plus strand (T>C on the coding strand, the complement: SLC2A2 is on the minus strand). VCF-style: chr3-170997929-A-G. GRCh37 (hg19) VCF-style: chr3-170715718-A-G.
Other names: c.1192T>C, p.Phe398Leu (NM_001278658.2); c.1030T>C, p.Phe344Leu (NM_001278659.2); short protein forms F398L, F517L, F344L.
Identifiers: ClinVar variation 1400043 (VCV001400043.9), dbSNP rs2108232309, ClinGen allele CA355483993.
Genomic context (GRCh38, chr3:170,997,929, plus strand): 5'-GTTTCTGTTCATGTCAAAAAGCAGGGTTTTTTTTTTACACAGTCTCTGTAGCTCCTAGGA[A>G]TTTCATTTCTACAGCAGCTTTTGGCCTGTGGGCTGAGCCACTCTTCTTTTGGAATTCTGC-3'
Protein context (NP_000331.1, residues 507-524): HRPKAAVEMK[Phe517Leu]LGATETV